The following is an entry in ClinVar:

NC_000008.10:g.(?_118825208)_119035925del

Gene: EXT1 (exostosin glycosyltransferase 1; minus strand).
Variant type: Deletion.
Identifiers: ClinVar variation 1076976 (VCV001076976.2).

ClinVar aggregate classification (germline): Pathogenic (1 of 4 stars; one submission).

Conditions:
Multiple congenital exostosis (EXT). Also called: Multiple osteochondromas; MULTIPLE CARTILAGINOUS EXOSTOSES; Hereditary multiple exostoses; Hereditary multiple exostosis; Multiple exostoses; Hereditary multiple osteochondromas. Identifiers: Orphanet 321, MedGen C0015306, MONDO:0005508, HP:0002762.

Submission:

Labcorp Genetics (formerly Invitae), Labcorp
Classification: Pathogenic for Multiple congenital exostosis. Last evaluated: 2019-08-27. Review status: criteria provided, single submitter. Criteria: Invitae Variant Classification Sherloc (09022015). Collection method: clinical testing. Allele origin: germline.
Comment: This variant is an out-of-frame deletion of the genomic region encompassing exons 2-7 (c.962+86399_1633-8delinsTAAT) of the EXT1 gene. This is expected to create a premature translational stop signal and result in an absent or disrupted protein product. This variant has not been reported in the literature in individuals with EXT1-related conditions. Loss-of-function variants in EXT1 are known to be pathogenic (PMID: 10679937, 11391482, 19810120). For these reasons, this variant has been classified as Pathogenic.

Literature cited by the submitters: PubMed 10679937; PubMed 11391482; PubMed 19810120.